The following is an entry in ClinVar:

NM_032119.4(ADGRV1):c.11039G>A (p.Arg3680His)

Gene: ADGRV1 (adhesion G protein-coupled receptor V1; plus strand). Cytogenetic location: 5q14.3.
Variant type: single nucleotide variant.
Coding change: c.11039G>A on transcript NM_032119.4 (MANE Select); coding-DNA position 11039, G replaced by A.
Protein change: p.Arg3680His; replaces arginine 3680 with histidine.
Molecular consequence: missense variant. On other transcripts: non-coding transcript variant (1).
Genome position (GRCh38, 1-based): chr5:90,750,615, G>A. VCF-style: chr5-90750615-G-A. GRCh37 (hg19) VCF-style: chr5-90046432-G-A.
Other names: short protein forms R3680H.
Identifiers: ClinVar variation 1403936 (VCV001403936.5), dbSNP rs201269639, ClinGen allele CA3340884.

ClinVar aggregate classification (germline): Uncertain significance (1 of 4 stars; one submission).

Allele frequency attached by ClinVar (database versions not stated): gnomAD exomes 0.00001; ExAC 0.00001; 1000 Genomes Project 0.00020.
gnomAD v4.1: 10 of 1,612,122 alleles (0.00062%); highest among the groups gnomAD compares: East Asian, 0.0022%; no homozygotes.

Submission:

Labcorp Genetics (formerly Invitae), Labcorp
Classification: Uncertain significance. Last evaluated: 2022-09-27. Review status: criteria provided, single submitter. Criteria: Invitae Variant Classification Sherloc (09022015). Collection method: clinical testing. Allele origin: germline.
Comment: This sequence change replaces arginine, which is basic and polar, with histidine, which is basic and polar, at codon 3680 of the ADGRV1 protein (p.Arg3680His). This variant is present in population databases (rs201269639, gnomAD 0.003%). This variant has not been reported in the literature in individuals affected with ADGRV1-related conditions. ClinVar contains an entry for this variant (Variation ID: 1403936). Advanced modeling of protein sequence and biophysical properties (such as structural, functional, and spatial information, amino acid conservation, physicochemical variation, residue mobility, and thermodynamic stability) performed at Invitae indicates that this missense variant is not expected to disrupt ADGRV1 protein function. In summary, the available evidence is currently insufficient to determine the role of this variant in disease. Therefore, it has been classified as a Variant of Uncertain Significance.